The following is an entry in ClinVar:

NM_000245.4(MET):c.638C>T (p.Ser213Leu)

Gene: MET (MET proto-oncogene, receptor tyrosine kinase; plus strand). Cytogenetic location: 7q31.2.
Variant type: single nucleotide variant.
Coding change: c.638C>T on transcript NM_000245.4 (MANE Select); coding-DNA position 638, C replaced by T.
Protein change: p.Ser213Leu; replaces serine 213 with leucine.
Molecular consequence: missense variant. On other transcripts: intron variant (1).
Genome position (GRCh38, 1-based): chr7:116,699,722, C>T. VCF-style: chr7-116699722-C-T. GRCh37 (hg19) VCF-style: chr7-116339776-C-T.
Other names: c.638C>T, p.Ser213Leu (NM_001127500.3, NM_001324401.3); c.-91+27145C>T (NM_001324402.2); short protein forms S213L.
Identifiers: ClinVar variation 1753220 (VCV001753220.7), dbSNP rs367722737, ClinGen allele CA4448012.
Genomic context (GRCh38, chr7:116,699,722, plus strand): 5'-TCAACTTCTTTGTAGGCAATACCATAAATTCTTCTTATTTCCCAGATCATCCATTGCATT[C>T]GATATCAGTGAGAAGGCTAAAGGAAACGAAAGATGGTTTTATGTTTTTGACGGACCAGTC-3'
Protein context (NP_000236.2, residues 203-223): SSYFPDHPLH[Ser213Leu]ISVRRLKETK

ClinVar aggregate classification (germline): Uncertain significance. Review status: criteria provided, multiple submitters, no conflicts (2 of 4 stars). 4 submissions from 4 submitters: Uncertain significance (4). Last evaluated 2025-12-05.

Conditions:
Renal cell carcinoma. Identifiers: Orphanet 217071, MedGen C0007134, MeSH D002292, MONDO:0005086, HP:0005584.
Osteofibrous dysplasia (OSFD). Also called: Tibia, bowing of, with pseudarthrosis and pectus excavatum. Identifiers: Orphanet 488265, MedGen C4085248, MONDO:0011806, OMIM 607278.
Papillary renal cell carcinoma type 1 (RCCP1). Also called: RENAL CELL CARCINOMA, PAPILLARY, 1, SOMATIC; Renal adenocarcinoma; Renal cell carcinoma 1; Renal cell carcinoma, somatic. Identifiers: Orphanet 47044, MedGen C1336839, OMIM 605074, HP:0011797.
Hepatocellular carcinoma (HCC). Also called: LIVER CELL CARCINOMA; Primary carcinoma of liver; HEPATOMA. Identifiers: Orphanet 88673, MedGen C2239176, MONDO:0007256, OMIM 114550, HP:0001402.
Autosomal recessive nonsyndromic hearing loss 97. Also called: Deafness, autosomal recessive 97. Identifiers: Orphanet 90636, MedGen C4084709, MONDO:0014739, OMIM 616705.
Arthrogryposis, distal, IIa 11. Also called: Arthrogryposis, distal, type 11. Identifiers: MedGen C5774205, MONDO:0031045, OMIM 620019.
Hereditary cancer-predisposing syndrome. Also called: Neoplastic Syndromes, Hereditary; Tumor predisposition; Hereditary Cancer Syndrome; Hereditary neoplastic syndrome. Identifiers: Orphanet 140162, MedGen C0027672, MeSH D009386, MONDO:0015356.
Lymphedema. Also called: Lymphoedema. Identifiers: MedGen C0024236, MONDO:0019297, HP:0001004.

Allele frequency attached by ClinVar (database versions not stated): TOPMed below 0.00001; gnomAD exomes 0.00001; ExAC 0.00002; ESP Exome Variant Server 0.00008.
gnomAD v4.1: 7 of 1,614,002 alleles (0.00043%); highest among the groups gnomAD compares: East Asian, 0.0022%; no homozygotes.

Submissions (4):

Labcorp Genetics (formerly Invitae), Labcorp
Classification: Uncertain significance for Renal cell carcinoma. Last evaluated: 2025-12-05. Review status: criteria provided, single submitter. Criteria: Invitae Variant Classification Sherloc (09022015). Collection method: clinical testing. Allele origin: germline.
Comment: This sequence change replaces serine, which is neutral and polar, with leucine, which is neutral and non-polar, at codon 213 of the MET protein (p.Ser213Leu). This variant is present in population databases (rs367722737, gnomAD 0.0009%). This variant has not been reported in the literature in individuals affected with MET-related conditions. ClinVar contains an entry for this variant (Variation ID: 1753220). Invitae Evidence Modeling of protein sequence and biophysical properties (such as structural, functional, and spatial information, amino acid conservation, physicochemical variation, residue mobility, and thermodynamic stability) indicates that this missense variant is expected to disrupt MET protein function with a positive predictive value of 80%. In summary, the available evidence is currently insufficient to determine the role of this variant in disease. Therefore, it has been classified as a Variant of Uncertain Significance.

Ambry Genetics
Classification: Uncertain significance for Hereditary cancer-predisposing syndrome. Last evaluated: 2025-11-01. Review status: criteria provided, single submitter. Criteria: Ambry Variant Classification Scheme 2023. Collection method: clinical testing. Allele origin: germline.
Comment: The p.S213L variant (also known as c.638C>T), located in coding exon 1 of the MET gene, results from a C to T substitution at nucleotide position 638. The serine at codon 213 is replaced by leucine, an amino acid with dissimilar properties. This amino acid position is well conserved in available vertebrate species. In addition, the in silico prediction for this alteration is inconclusive. Since supporting evidence is limited at this time, the clinical significance of this alteration remains unclear.

Fulgent Genetics
Classification: Uncertain significance for Hepatocellular carcinoma; Papillary renal cell carcinoma type 1; Osteofibrous dysplasia; Autosomal recessive nonsyndromic hearing loss 97; Arthrogryposis, distal, IIa 11. Last evaluated: 2024-06-07. Review status: criteria provided, single submitter. Criteria: ACMG Guidelines, 2015. Collection method: clinical testing. Allele origin: germline.

Clinical Genomics Laboratory, Washington University in St. Louis
Classification: Uncertain significance for Lymphedema. Last evaluated: 2024-03-08. Review status: criteria provided, single submitter. Criteria: ACMG Guidelines, 2015. Collection method: clinical testing. Allele origin: somatic.
Comment: A MET c.638C>T (p.Ser213Leu) variant was identified at an allelic fraction consistent with somatic origin. This variant, to our knowledge, has not been reported in the literature in individuals with MET-related conditions. This variant has been reported in the ClinVar database by two submitters as a variant of uncertain significance in a germline state (ClinVar Variation ID: 1753220). This variant is observed on 7/1,461,786 alleles in the general population (gnomAD v4.0.0). Computational predictors are uncertain as to the impact of this variant on MET function. Due to limited information, and based on an internally developed protocol informed by the ACMG/AMP guidelines (Richards S et al., PMID: 25741868) and gene-specific practices from the ClinGen Criteria Specification Registry, the clinical significance of the MET c.638C>T (p.Ser213Leu) variant is uncertain at this time.